The following is an entry in ClinVar:

NM_006415.4(SPTLC1):c.1324C>G (p.Pro442Ala)

Gene: SPTLC1 (serine palmitoyltransferase long chain base subunit 1; minus strand). Cytogenetic location: 9q22.31.
Variant type: single nucleotide variant.
Coding change: c.1324C>G on transcript NM_006415.4 (MANE Select); coding-DNA position 1324, C replaced by G.
Protein change: p.Pro442Ala; replaces proline 442 with alanine.
Molecular consequence: missense variant.
Genome position (GRCh38, 1-based): chr9:92,034,814, G>C on the plus strand (C>G on the coding strand, the complement: SPTLC1 is on the minus strand). VCF-style: chr9-92034814-G-C. GRCh37 (hg19) VCF-style: chr9-94797096-G-C.
Other names: c.1324C>G, p.Pro442Ala (NM_001281303.2); c.958C>G, p.Pro320Ala (NM_001368272.1); c.859C>G, p.Pro287Ala (NM_001368273.1); c.1324C>G (NM_006415.3); short protein forms P287A, P320A, P442A.
Identifiers: ClinVar variation 4807171 (VCV004807171.2).

ClinVar aggregate classification (germline): Uncertain significance. Review status: criteria provided, multiple submitters, no conflicts (2 of 4 stars). 2 submissions from 2 submitters: Uncertain significance (2). Last evaluated 2025-08-29.

Conditions:
SPTLC1-related disorder. Also called: SPTLC1-related condition.
Hereditary sensory and autonomic neuropathy type 1 (HSAN1). Also called: HSAN 1; HSN Type I; Hereditary Sensory Neuropathy Type I. Identifiers: Orphanet 36386, MedGen C0020071, MONDO:0018213.

gnomAD v4.1: 5 of 1,613,838 alleles (0.00031%); highest among the groups gnomAD compares: Non-Finnish European, 0.00042%; no homozygotes.

Submissions (2):

PreventionGenetics, part of Exact Sciences
Classification: Uncertain significance for SPTLC1-related condition. Last evaluated: 2025-08-29. Review status: criteria provided, single submitter. Criteria: ACMG Guidelines, 2015. Collection method: clinical testing. Allele origin: germline.
Comment: The SPTLC1 c.1324C>G variant is predicted to result in the amino acid substitution p.Pro442Ala. To our knowledge, this variant has not been reported in the literature. This variant is reported in 0.0065% of alleles in individuals of European (Non-Finnish) descent in gnomAD. At this time, the clinical significance of this variant is uncertain due to the absence of conclusive functional and genetic evidence.

Labcorp Genetics (formerly Invitae), Labcorp
Classification: Uncertain significance for Hereditary sensory and autonomic neuropathy type 1. Last evaluated: 2025-03-09. Review status: criteria provided, single submitter. Criteria: Invitae Variant Classification Sherloc (09022015). Collection method: clinical testing. Allele origin: germline.
Comment: This sequence change replaces proline, which is neutral and non-polar, with alanine, which is neutral and non-polar, at codon 442 of the SPTLC1 protein (p.Pro442Ala). This variant is present in population databases (no rsID available, gnomAD 0.007%). This variant has not been reported in the literature in individuals affected with SPTLC1-related conditions. Invitae Evidence Modeling of protein sequence and biophysical properties (such as structural, functional, and spatial information, amino acid conservation, physicochemical variation, residue mobility, and thermodynamic stability) indicates that this missense variant is not expected to disrupt SPTLC1 protein function with a negative predictive value of 80%. In summary, the available evidence is currently insufficient to determine the role of this variant in disease. Therefore, it has been classified as a Variant of Uncertain Significance.